The following is an entry in ClinVar:

NM_001113378.2(FANCI):c.2660C>T (p.Ser887Leu)

Gene: FANCI (FA complementation group I; plus strand). Cytogenetic location: 15q26.1.
Variant type: single nucleotide variant.
Coding change: c.2660C>T on transcript NM_001113378.2 (MANE Select); coding-DNA position 2660, C replaced by T.
Protein change: p.Ser887Leu; replaces serine 887 with leucine.
Molecular consequence: missense variant.
Genome position (GRCh38, 1-based): chr15:89,299,823, C>T. VCF-style: chr15-89299823-C-T. GRCh37 (hg19) VCF-style: chr15-89843054-C-T.
Other names: c.2381C>T, p.Ser794Leu (NM_001376910.1); c.2660C>T, p.Ser887Leu (NM_001376911.1); c.2480C>T, p.Ser827Leu (NM_018193.3); short protein forms S827L, S887L, S794L.
Identifiers: ClinVar variation 2173448 (VCV002173448.2), dbSNP rs767752212, ClinGen allele CA7723433.

ClinVar aggregate classification (germline): Uncertain significance. Review status: criteria provided, multiple submitters, no conflicts (2 of 4 stars). 2 submissions from 2 submitters: Uncertain significance (2). Last evaluated 2025-11-02.

Conditions:
Inborn genetic diseases. Identifiers: MedGen C0950123, MeSH D030342.
Fanconi anemia (FA). Also called: Fanconi's anemia. Identifiers: Orphanet 84, MedGen C0015625, MeSH D005199, MONDO:0019391.

Allele frequency attached by ClinVar (database versions not stated): gnomAD exomes below 0.00001; TOPMed below 0.00001; ExAC 0.00001.
gnomAD v4.1: 3 of 1,613,728 alleles (0.00019%); highest among the groups gnomAD compares: East Asian, 0.0022%; no homozygotes.

Submissions (2):

Ambry Genetics
Classification: Uncertain significance for Inborn genetic diseases. Last evaluated: 2025-11-02. Review status: criteria provided, single submitter. Criteria: Ambry Variant Classification Scheme 2023. Collection method: clinical testing. Allele origin: germline.

Labcorp Genetics (formerly Invitae), Labcorp
Classification: Uncertain significance for Fanconi anemia. Last evaluated: 2022-05-05. Review status: criteria provided, single submitter. Criteria: Invitae Variant Classification Sherloc (09022015). Collection method: clinical testing. Allele origin: germline.
Comment: This sequence change replaces serine, which is neutral and polar, with leucine, which is neutral and non-polar, at codon 887 of the FANCI protein (p.Ser887Leu). This variant is present in population databases (rs767752212, gnomAD 0.006%). This variant has not been reported in the literature in individuals affected with FANCI-related conditions. Algorithms developed to predict the effect of missense changes on protein structure and function (SIFT, PolyPhen-2, Align-GVGD) all suggest that this variant is likely to be tolerated. In summary, the available evidence is currently insufficient to determine the role of this variant in disease. Therefore, it has been classified as a Variant of Uncertain Significance.